The following is an entry in ClinVar:

ClinVar aggregate classification (germline): Uncertain significance (1 of 4 stars; one submission).

Submission:

GeneDx
Classification: Uncertain significance. Last evaluated: 2023-06-27. Review status: criteria provided, single submitter. Criteria: GeneDx Variant Classification Process June 2021. Collection method: clinical testing. Allele origin: germline. Affected: yes.
Comment: Not observed at significant frequency in large population cohorts (gnomAD); In silico analysis supports that this missense variant has a deleterious effect on protein structure/function; Has not been previously published as pathogenic or benign to our knowledge

NM_021614.4(KCNN2):c.1083G>A (p.Met361Ile)

Gene: KCNN2 (potassium calcium-activated channel subfamily N member 2; plus strand). Cytogenetic location: 5q22.3.
Variant type: single nucleotide variant.
Coding change: c.1083G>A on transcript NM_021614.4 (MANE Select); coding-DNA position 1083, G replaced by A.
Protein change: p.Met361Ile; replaces methionine 361 with isoleucine.
Molecular consequence: missense variant. On other transcripts: non-coding transcript variant (1).
Genome position (GRCh38, 1-based): chr5:114,363,222, G>A. VCF-style: chr5-114363222-G-A. GRCh37 (hg19) VCF-style: chr5-113698919-G-A.
Other names: c.1281G>A, p.Met427Ile (NM_001372233.1); short protein forms M361I, M427I.
Identifiers: ClinVar variation 3360587 (VCV003360587.1).